The following is an entry in ClinVar:

ClinVar aggregate classification (germline): Likely benign (1 of 4 stars; one submission).

Allele frequency attached by ClinVar (database versions not stated): gnomAD exomes below 0.00001.
gnomAD v4.1: 2 of 1,613,764 alleles (0.00012%); highest among the groups gnomAD compares: Non-Finnish European, 0.00017%; no homozygotes.

Submission:

CeGaT Center for Human Genetics Tuebingen
Classification: Likely benign. Last evaluated: 2022-07-01. Review status: criteria provided, single submitter. Criteria: CeGaT Center For Human Genetics Tuebingen Variant Classification Criteria Version 2. Collection method: clinical testing. Allele origin: germline. Affected: yes. Observed: 1 variant allele.
Comment: MTIF2: PM2:Supporting, BP4, BP7

NM_002453.3(MTIF2):c.1014A>G (p.Thr338=)

Gene: MTIF2 (mitochondrial translational initiation factor 2; minus strand). Cytogenetic location: 2p16.1.
Variant type: single nucleotide variant.
Coding change: c.1014A>G on transcript NM_002453.3 (MANE Select); coding-DNA position 1014, A replaced by G.
Protein change: p.Thr338=; no amino-acid change (threonine 338 retained).
Molecular consequence: synonymous variant.
Genome position (GRCh38, 1-based): chr2:55,246,429, T>C on the plus strand (A>G on the coding strand, the complement: MTIF2 is on the minus strand). VCF-style: chr2-55246429-T-C. GRCh37 (hg19) VCF-style: chr2-55473565-T-C.
Other names: c.1014A>G, p.Thr338= (NM_001005369.1, NM_001321001.1, NM_001321002.1 and 2 more transcripts); c.285A>G, p.Thr95= (NM_001321005.1).
Identifiers: ClinVar variation 2650945 (VCV002650945.24), dbSNP rs1435017322, ClinGen allele CA426146168.
Genomic context (GRCh38, chr2:55,246,429, plus strand): 5'-TGTTCCTTCCACTGGACCATTGGGATCTGCTTTCAATTCTAACATTTCTGCAAGAGCAAC[T>C]GTTGCTTCTGCCAAAGCCATCAGATTATCGCCCTTTAACAATAACAAACGTTGTTAATAC-3'
Protein context (NP_002444.2, residues 328-348): GDNLMALAEA[Thr338=]VALAEMLELK